The following is an entry in ClinVar:

NM_001069.3(TUBB2A):c.784C>T (p.Arg262Cys)

Gene: TUBB2A (tubulin beta 2A class IIa; minus strand). Cytogenetic location: 6p25.2.
Variant type: single nucleotide variant.
Coding change: c.784C>T on transcript NM_001069.3 (MANE Select); coding-DNA position 784, C replaced by T.
Protein change: p.Arg262Cys; replaces arginine 262 with cysteine.
Molecular consequence: missense variant.
Genome position (GRCh38, 1-based): chr6:3,154,417, G>A on the plus strand (C>T on the coding strand, the complement: TUBB2A is on the minus strand). VCF-style: chr6-3154417-G-A. GRCh37 (hg19) VCF-style: chr6-3154651-G-A.
Other names: c.529C>T, p.Arg177Cys (NM_001310315.2); short protein forms R177C, R262C.
Identifiers: ClinVar variation 1720481 (VCV001720481.6), dbSNP rs2533524358, ClinGen allele CA362591973.
Genomic context (GRCh38, chr6:3,154,417, plus strand): 5'-GGTACTGCTGGCTGCCCCGGCTGGTCAGGGGCGCGAAGCCGGGCATGAAGAAGTGCAGGC[G>A]AGGGAAGGGCACCATGTTCACCGCCAGCTTGCGCAGGTCTGCGTTCAGCTGGCCCGGGAA-3'
Protein context (NP_001060.1, residues 252-272): KLAVNMVPFP[Arg262Cys]LHFFMPGFAP

ClinVar aggregate classification (germline): Uncertain significance (1 of 4 stars; one submission).

Submission:

Labcorp Genetics (formerly Invitae), Labcorp
Classification: Uncertain significance. Last evaluated: 2022-10-28. Review status: criteria provided, single submitter. Criteria: Invitae Variant Classification Sherloc (09022015). Collection method: clinical testing. Allele origin: germline.
Comment: Advanced modeling of protein sequence and biophysical properties (such as structural, functional, and spatial information, amino acid conservation, physicochemical variation, residue mobility, and thermodynamic stability) performed at Invitae indicates that this missense variant is expected to disrupt TUBB2A protein function. In summary, the available evidence is currently insufficient to determine the role of this variant in disease. Therefore, it has been classified as a Variant of Uncertain Significance. This variant has not been reported in the literature in individuals affected with TUBB2A-related conditions. This variant is not present in population databases (gnomAD no frequency). This sequence change replaces arginine, which is basic and polar, with cysteine, which is neutral and slightly polar, at codon 262 of the TUBB2A protein (p.Arg262Cys).